The following is an entry in ClinVar:

NM_003105.6(SORL1):c.4975C>T (p.Leu1659=)

Gene: SORL1 (sortilin related receptor 1; plus strand). Cytogenetic location: 11q24.1.
Variant type: single nucleotide variant.
Coding change: c.4975C>T on transcript NM_003105.6 (MANE Select); coding-DNA position 4975, C replaced by T.
Protein change: p.Leu1659=; no amino-acid change (leucine 1659 retained).
Molecular consequence: synonymous variant.
Genome position (GRCh38, 1-based): chr11:121,606,871, C>T. VCF-style: chr11-121606871-C-T. GRCh37 (hg19) VCF-style: chr11-121477580-C-T.
Identifiers: ClinVar variation 776671 (VCV000776671.12), dbSNP rs140194041, ClinGen allele CA6329796.

ClinVar aggregate classification (germline): Benign. Review status: criteria provided, single submitter (1 of 4 stars). 2 submissions from 2 submitters: Benign (1). 1 of the submissions does not count toward it. Last evaluated 2022-04-04.

Conditions:
SORL1-related disorder. Also called: SORL1-related condition.

Allele frequency attached by ClinVar (database versions not stated): gnomAD exomes 0.00009 and 0.00002; 1000 Genomes Project 30x 0.00016; TOPMed 0.00032; ExAC 0.00012; gnomAD 0.00024 and 0.00023; 1000 Genomes Project 0.00020; ESP Exome Variant Server 0.00031.
gnomAD v4.1: 68 of 1,614,120 alleles (0.0042%); highest among the groups gnomAD compares: African/African-American, 0.072%; no homozygotes.

Submissions (2):

Labcorp Genetics (formerly Invitae), Labcorp
Classification: Benign. Last evaluated: 2022-04-04. Review status: criteria provided, single submitter. Criteria: Invitae Variant Classification Sherloc (09022015). Collection method: clinical testing. Allele origin: germline.

PreventionGenetics, part of Exact Sciences
Classification: Likely benign for SORL1-related condition. Last evaluated: 2020-05-22. Review status: no assertion criteria provided. Collection method: clinical testing. Allele origin: germline. Not counted in ClinVar's aggregate classification.
Comment: This variant is classified as likely benign based on ACMG/AMP sequence variant interpretation guidelines (Richards et al. 2015 PMID: 25741868, with internal and published modifications).